The following is an entry in ClinVar:

NM_018942.3(HMX1):c.359C>G (p.Ala120Gly)

Gene: HMX1 (H6 family homeobox 1; minus strand). Cytogenetic location: 4p16.1.
Variant type: single nucleotide variant.
Coding change: c.359C>G on transcript NM_018942.3 (MANE Select); coding-DNA position 359, C replaced by G.
Protein change: p.Ala120Gly; replaces alanine 120 with glycine.
Molecular consequence: missense variant.
Genome position (GRCh38, 1-based): chr4:8,871,256, G>C on the plus strand (C>G on the coding strand, the complement: HMX1 is on the minus strand). VCF-style: chr4-8871256-G-C. GRCh37 (hg19) VCF-style: chr4-8872982-G-C.
Other names: c.359C>G, p.Ala120Gly (NM_001306142.2); short protein forms A120G.
Identifiers: ClinVar variation 1368297 (VCV001368297.8), dbSNP rs2109477332, ClinGen allele CA356278793.

ClinVar aggregate classification (germline): Uncertain significance (1 of 4 stars; one submission).

Submission:

Labcorp Genetics (formerly Invitae), Labcorp
Classification: Uncertain significance. Last evaluated: 2022-02-09. Review status: criteria provided, single submitter. Criteria: Invitae Variant Classification Sherloc (09022015). Collection method: clinical testing. Allele origin: germline.
Comment: This variant has not been reported in the literature in individuals affected with HMX1-related conditions. In summary, the available evidence is currently insufficient to determine the role of this variant in disease. Therefore, it has been classified as a Variant of Uncertain Significance. Algorithms developed to predict the effect of missense changes on protein structure and function (SIFT, PolyPhen-2, Align-GVGD) all suggest that this variant is likely to be tolerated. This variant is not present in population databases (gnomAD no frequency). This sequence change replaces alanine, which is neutral and non-polar, with glycine, which is neutral and non-polar, at codon 120 of the HMX1 protein (p.Ala120Gly).